The following is an entry in ClinVar:

ClinVar aggregate classification (germline): Uncertain significance (1 of 4 stars; one submission).

Conditions:
CFI-related disorder. Also called: CFI-related condition; CFI-related disorders. Identifiers: MedGen CN239325.

Submission:

Genomenon, Inc
Classification: Uncertain significance for CFI-related disorder. Last evaluated: 2025-09-26. Review status: criteria provided, single submitter. Criteria: Genomenon Sequence Variant Interpretation Standards - Updated. Collection method: curation. Allele origin: germline. Affected: no.
Comment: CFI p.Arg502Leu (c.1505G>T) is a missense variant that changes the amino acid at residue 502 from Arginine to Leucine. This variant has been reported in the published literature (PMID:24088957). Functional studies have been reported; however, the significance of the findings remain unclear (PMID:21768352). It is absent or not present at a significant frequency in gnomAD. In silico models agree that this variant is possibly or probably damaging. In conclusion, we classify CFI p.Arg502Leu (c.1505G>T) as a variant of unknown significance.

Literature cited by the submitters: PubMed 24088957; 21768352.

NM_000204.5(CFI):c.1505G>T (p.Arg502Leu)

Gene: CFI (complement factor I; minus strand). Cytogenetic location: 4q25.
Variant type: single nucleotide variant.
Coding change: c.1505G>T on transcript NM_000204.5 (MANE Select); coding-DNA position 1505, G replaced by T.
Protein change: p.Arg502Leu; replaces arginine 502 with leucine.
Molecular consequence: missense variant. On other transcripts: non-coding transcript variant (3).
Genome position (GRCh38, 1-based): chr4:109,742,520, C>A on the plus strand (G>T on the coding strand, the complement: CFI is on the minus strand). VCF-style: chr4-109742520-C-A. GRCh37 (hg19) VCF-style: chr4-110663676-C-A.
Other names: c.1529G>T, p.Arg510Leu (NM_001318057.2, NM_001375278.1, NM_001440988.1); c.1484G>T, p.Arg495Leu (NM_001331035.2, NM_001375280.1, NM_001375282.1 and 1 more transcripts); c.1505G>T, p.Arg502Leu (NM_001375279.1, NM_001375281.1, NM_001440989.1); c.1448G>T, p.Arg483Leu (NM_001375283.1); c.896G>T, p.Arg299Leu (NM_001375284.1); c.1526G>T, p.Arg509Leu (NM_001440985.1, NM_001440986.1); short protein forms R299L, R483L, R495L, R502L, R509L, R510L.
Identifiers: ClinVar variation 4280539 (VCV004280539.1).